The following is an entry in ClinVar:

NM_001042492.3(NF1):c.2148_2151dup (p.Asp718fs)

Gene: NF1 (neurofibromin 1; plus strand). Cytogenetic location: 17q11.2.
Variant type: Duplication.
Coding change: c.2148_2151dup on transcript NM_001042492.3 (MANE Select); coding-DNA positions 2148 to 2151, 4 bases duplicated (AGCA; older notation c.2148_2151dupAGCA).
Protein change: p.Asp718fs; shifts the reading frame from aspartic acid 718.
Molecular consequence: frameshift variant.
Genome position (GRCh38, 1-based): chr17:31,226,581-31,226,584, AGCA duplicated; duplicating any 4 consecutive bases within chr17:31,226,580-31,226,584 gives the same sequence; the c. name uses the placement nearest the transcript's 3' end. VCF-style (leftmost placement, unchanged base first): chr17-31226579-G-GAAGC. GRCh37 (hg19) VCF-style: chr17-29553597-G-GAAGC.
Other names: c.2148_2151dup, p.Asp718Serfs (NM_000267.4); short protein forms D718fs.
Identifiers: ClinVar variation 2125820 (VCV002125820.4), dbSNP rs2508156949, ClinGen allele CA2580093159.
Genomic context (GRCh38, chr17:31,226,579, plus strand): 5'-TGGAACCCTGACACTGAAGCTGTTCTGGTTGCCATGTCCTGTTTCCGCCACCTCTGTGAG[G>GAAGC]AAGCAGATATCCGGTGTGGGGTGGATGAAGTGTCAGTGCATAACCTCTTGCCCAACTATA-3'

ClinVar aggregate classification (germline): Pathogenic (1 of 4 stars; one submission).

Conditions:
Neurofibromatosis, type 1 (NF1). Also called: Peripheral type neurofibromatosis; NEUROFIBROMATOSIS, TYPE I, SOMATIC; Neurofibromatosis, type I; VON RECKLINGHAUSEN DISEASE. Identifiers: Orphanet 636, MedGen C0027831, MONDO:0018975, OMIM 162200. Disease mechanism: loss of function.

Submission:

Labcorp Genetics (formerly Invitae), Labcorp
Classification: Pathogenic for Neurofibromatosis, type 1. Last evaluated: 2022-04-13. Review status: criteria provided, single submitter. Criteria: Invitae Variant Classification Sherloc (09022015). Collection method: clinical testing. Allele origin: germline.
Comment: This sequence change creates a premature translational stop signal (p.Asp718Serfs*9) in the NF1 gene. It is expected to result in an absent or disrupted protein product. Loss-of-function variants in NF1 are known to be pathogenic (PMID: 10712197, 23913538). For these reasons, this variant has been classified as Pathogenic. This variant has not been reported in the literature in individuals affected with NF1-related conditions. This variant is not present in population databases (gnomAD no frequency).

Literature cited by the submitters: PubMed 10712197; PubMed 23913538.